The following is an entry in ClinVar:

ClinVar aggregate classification (germline): Uncertain significance. Review status: criteria provided, multiple submitters, no conflicts (2 of 4 stars). 2 submissions from 2 submitters: Uncertain significance (2). Last evaluated 2025-08-21.

Conditions:
Brachyolmia-amelogenesis imperfecta syndrome. Also called: Tooth agenesis, selective, 6; Dental anomalies and short stature; PLATYSPONDYLY WITH AMELOGENESIS IMPERFECTA. Identifiers: Orphanet 2899, MedGen C1832594, MONDO:0011018, OMIM 601216. Disease mechanism: loss of function.
Inborn genetic diseases. Identifiers: MedGen C0950123, MeSH D030342.

gnomAD v4.1: 8 of 1,424,802 alleles (0.00056%); highest among the groups gnomAD compares: Admixed American, 0.0054%; no homozygotes.

Submissions (2):

Ambry Genetics
Classification: Uncertain significance for Inborn genetic diseases. Last evaluated: 2025-08-21. Review status: criteria provided, single submitter. Criteria: Ambry Variant Classification Scheme 2023. Collection method: clinical testing. Allele origin: germline.

Labcorp Genetics (formerly Invitae), Labcorp
Classification: Uncertain significance for Brachyolmia-amelogenesis imperfecta syndrome. Last evaluated: 2025-02-25. Review status: criteria provided, single submitter. Criteria: Invitae Variant Classification Sherloc (09022015). Collection method: clinical testing. Allele origin: germline.
Comment: This sequence change replaces glycine, which is neutral and non-polar, with arginine, which is basic and polar, at codon 43 of the LTBP3 protein (p.Gly43Arg). The frequency data for this variant in the population databases is considered unreliable, as metrics indicate poor data quality at this position in the gnomAD database. This variant has not been reported in the literature in individuals affected with LTBP3-related conditions. ClinVar contains an entry for this variant (Variation ID: 2561486). Experimental studies and prediction algorithms are not available or were not evaluated, and the functional significance of this variant is currently unknown. In summary, the available evidence is currently insufficient to determine the role of this variant in disease. Therefore, it has been classified as a Variant of Uncertain Significance.

NM_001130144.3(LTBP3):c.127G>C (p.Gly43Arg)

Gene: LTBP3 (latent transforming growth factor beta binding protein 3; minus strand). Cytogenetic location: 11q13.1.
Variant type: single nucleotide variant.
Coding change: c.127G>C on transcript NM_001130144.3 (MANE Select); coding-DNA position 127, G replaced by C.
Protein change: p.Gly43Arg; replaces glycine 43 with arginine.
Molecular consequence: missense variant. On other transcripts: 5 prime UTR variant (1).
Genome position (GRCh38, 1-based): chr11:65,557,833, C>G on the plus strand (G>C on the coding strand, the complement: LTBP3 is on the minus strand). VCF-style: chr11-65557833-C-G. GRCh37 (hg19) VCF-style: chr11-65325304-C-G.
Other names: c.-221G>C (NM_001164266.1); c.127G>C, p.Gly43Arg (NM_021070.4); short protein forms G43R.
Identifiers: ClinVar variation 2561486 (VCV002561486.4), dbSNP rs1481532475, ClinGen allele CA381278524.